The following is an entry in ClinVar:

ClinVar aggregate classification (germline): Benign/Likely benign. Review status: criteria provided, multiple submitters, no conflicts (2 of 4 stars). 2 submissions from 2 submitters: Benign (1); Likely benign (1). Last evaluated 2024-10-02.

Conditions:
Occult macular dystrophy (OCMD). Also called: OCCULT MACULAR DYSTROPHY, SUSCEPTIBILITY TO; OMD. Identifiers: Orphanet 247834, MedGen C3150833, MONDO:0013316, OMIM 613587, HP:0030636.

Allele frequency attached by ClinVar (database versions not stated): gnomAD exomes 0.00004 and 0.00007; ExAC 0.00008; ESP Exome Variant Server 0.00025; TOPMed 0.00025; gnomAD 0.00030; 1000 Genomes Project 0.00060.
gnomAD v4.1: 104 of 1,592,410 alleles (0.0065%); highest among the groups gnomAD compares: African/African-American, 0.11%; no homozygotes.

Submissions (2):

Blueprint Genetics
Classification: Likely benign. Last evaluated: 2024-10-02. Review status: criteria provided, single submitter. Criteria: ACMG Guidelines, 2015. Collection method: clinical testing. Allele origin: germline.

Illumina Laboratory Services, Illumina
Classification: Benign for Occult macular dystrophy. Last evaluated: 2018-01-13. Review status: criteria provided, single submitter. Criteria: ICSL Variant Classification Criteria 13 December 2019. Collection method: clinical testing. Allele origin: germline.
Comment: This variant was observed in the ICSL laboratory as part of a predisposition screen in an ostensibly healthy population. It had not been previously curated by ICSL or reported in the Human Gene Mutation Database (HGMD: prior to June 1st, 2018), and was therefore a candidate for classification through an automated scoring system. Utilizing variant allele frequency, disease prevalence and penetrance estimates, and inheritance mode, an automated score was calculated to assess if this variant is too frequent to cause the disease. Based on the score and internal cut-off values, a variant classified as benign is not then subjected to further curation. The score for this variant resulted in a classification of benign for this disease.

NM_178857.6(RP1L1):c.6276G>A (p.Gly2092=)

Gene: RP1L1 (RP1 like 1). Cytogenetic location: 8p23.1.
Variant type: single nucleotide variant.
Coding change: c.6276G>A on transcript NM_178857.6 (MANE Select); coding-DNA position 6276, G replaced by A.
Protein change: p.Gly2092=; no amino-acid change (glycine 2092 retained).
Molecular consequence: synonymous variant.
Genome position (GRCh38, 1-based): chr8:10,607,822, C>T on the plus strand (G>A on the coding strand, the complement: RP1L1 is on the minus strand). VCF-style: chr8-10607822-C-T. GRCh37 (hg19) VCF-style: chr8-10465332-C-T.
Identifiers: ClinVar variation 910992 (VCV000910992.5), dbSNP rs201438192, ClinGen allele CA4623386.